The following is an entry in ClinVar:

ClinVar aggregate classification (germline): Uncertain significance (1 of 4 stars; one submission).

Conditions:
Methylcobalamin deficiency type cblG (HMAG). Also called: HOMOCYSTINURIA-MEGALOBLASTIC ANEMIA, cblG COMPLEMENTATION TYPE; HOMOCYSTINURIA-MEGALOBLASTIC ANEMIA, cblG TYPE; Functional methionine synthase deficiency type cblG; HOMOCYSTINURIA-MEGALOBLASTIC ANEMIA DUE TO DEFECT IN COBALAMIN METABOLISM, cblG COMPLEMENTATION TYPE. Identifiers: Orphanet 2170, Orphanet 622, MedGen C1855128, MONDO:0009609, OMIM 250940.

Submission:

Labcorp Genetics (formerly Invitae), Labcorp
Classification: Uncertain significance for Methylcobalamin deficiency type cblG. Last evaluated: 2025-10-23. Review status: criteria provided, single submitter. Criteria: Invitae Variant Classification Sherloc (09022015). Collection method: clinical testing. Allele origin: germline.
Comment: This sequence change replaces alanine, which is neutral and non-polar, with valine, which is neutral and non-polar, at codon 1048 of the MTR protein (p.Ala1048Val). The frequency data for this variant in the population databases is considered unreliable, as metrics indicate poor data quality at this position in the gnomAD database. This variant has not been reported in the literature in individuals affected with MTR-related conditions. ClinVar contains an entry for this variant (Variation ID: 2151567). An algorithm developed to predict the effect of missense changes on protein structure and function (PolyPhen-2) suggests that this variant is likely to be tolerated. In summary, the available evidence is currently insufficient to determine the role of this variant in disease. Therefore, it has been classified as a Variant of Uncertain Significance.

NM_000254.3(MTR):c.3143_3144inv (p.Ala1048Val)

Gene: MTR (5-methyltetrahydrofolate-homocysteine methyltransferase; plus strand). Cytogenetic location: 1q43.
Variant type: Inversion.
Coding change: c.3143_3144inv on transcript NM_000254.3 (MANE Select).
Protein change: p.Ala1048Val; replaces alanine 1048 with valine.
Molecular consequence: missense variant.
Genome position: GRCh38 VCF-style: chr1-236891268-CA-TG. GRCh37 (hg19) VCF-style: chr1-237054568-CA-TG.
Other names: c.2990_2991inv, p.Ala997Val (NM_001291939.1); c.1922_1923inv, p.Ala641Val (NM_001291940.2); c.2954_2955invCA, p.Ala985Val (NM_001410942.1); short protein forms A1048V, A641V, A985V, A997V.
Identifiers: ClinVar variation 2151567 (VCV002151567.4), ClinGen allele CA2580062387.
Genomic context (GRCh38, chr1:236,891,268, plus strand): 5'-CCCGGGGTGTGGTTGGGTTCTGGCCAGCACAGAGTATCCAAGACGACATTCACCTGTACG[CA>TG]GAGGCTGCTGTGCCCCAGGCTGCAGAGCCCATAGCCACCTTCTATGGGTTAAGGCAACAG-3'
Protein context (NP_000245.2, residues 1038-1058): QSIQDDIHLY[Ala1048Val]EAAVPQAAEP